The following is an entry in ClinVar:

ClinVar aggregate classification (germline): Uncertain significance. Review status: criteria provided, multiple submitters, no conflicts (2 of 4 stars). 3 submissions from 3 submitters: Uncertain significance (3). Last evaluated 2023-12-27.

Conditions:
Hereditary breast ovarian cancer syndrome. Also called: Hereditary breast and ovarian cancer; Hereditary breast and ovarian cancer syndrome (HBOC); Breast and ovarian cancer; Hereditary breast and/or ovarian cancer syndrome; BRCA1- and BRCA2-Associated Hereditary Breast and Ovarian Cancer; Hereditary breast and ovarian cancer syndrome. Identifiers: Orphanet 145, MedGen C0677776, MeSH D061325, MONDO:0003582. Disease mechanism: loss of function.
Hereditary cancer-predisposing syndrome. Also called: Neoplastic Syndromes, Hereditary; Tumor predisposition; Hereditary Cancer Syndrome; Hereditary neoplastic syndrome. Identifiers: Orphanet 140162, MedGen C0027672, MeSH D009386, MONDO:0015356.

Submissions (4):

Labcorp Genetics (formerly Invitae), Labcorp
Classification: Uncertain significance for Hereditary breast ovarian cancer syndrome. Last evaluated: 2023-12-27. Review status: criteria provided, single submitter. Criteria: Invitae Variant Classification Sherloc (09022015). Collection method: clinical testing. Allele origin: germline.
Comment: This sequence change replaces phenylalanine, which is neutral and non-polar, with tyrosine, which is neutral and polar, at codon 43 of the BRCA1 protein (p.Phe43Tyr). This variant is not present in population databases (gnomAD no frequency). This variant has not been reported in the literature in individuals affected with BRCA1-related conditions. ClinVar contains an entry for this variant (Variation ID: 867829). Advanced modeling performed at Invitae incorporating data from internal and/or published experimental studies (PMID: 30209399) indicates that this missense variant is not expected to disrupt BRCA1 function with a negative predictive value of 95%. Experimental studies have shown that this missense change does not substantially affect BRCA1 function (PMID: 30209399). In summary, the available evidence is currently insufficient to determine the role of this variant in disease. Therefore, it has been classified as a Variant of Uncertain Significance.

Ambry Genetics
Classification: Uncertain significance for Hereditary cancer-predisposing syndrome. Last evaluated: 2023-05-31. Review status: criteria provided, single submitter. Criteria: Ambry Variant Classification Scheme 2023. Collection method: clinical testing. Allele origin: germline.
Comment: The p.F43Y variant (also known as c.128T>A), located in coding exon 2 of the BRCA1 gene, results from a T to A substitution at nucleotide position 128. The phenylalanine at codon 43 is replaced by tyrosine, an amino acid with highly similar properties. This amino acid position is highly conserved in available vertebrate species. In addition, this alteration is predicted to be deleterious by in silico analysis. Since supporting evidence is limited at this time, the clinical significance of this alteration remains unclear.

Quest Diagnostics Nichols Institute San Juan Capistrano
Classification: Uncertain significance. Last evaluated: 2021-07-30. Review status: criteria provided, single submitter. Criteria: Quest Diagnostics criteria. Collection method: clinical testing. Allele origin: unknown.

Brotman Baty Institute, University of Washington
No classification provided (evidence only). Condition: Breast-ovarian cancer, familial 1. Review status: no classification provided. Collection method: in vitro. Allele origin: not applicable. Functional consequence: functionally_normal. Not counted in ClinVar's aggregate classification.
ClinVar note: "not provided" was previously submitted as the classification for the variant. However, the classification appeared to be based only on an observation of functional data so it was converted to no classification on 2025-07-30.

Literature cited by the submitters: PubMed 30209399 (cited by Labcorp Genetics (formerly Invitae), Labcorp and Quest Diagnostics Nichols Institute San Juan Capistrano).

NM_007294.4(BRCA1):c.128T>A (p.Phe43Tyr)

Gene: BRCA1 (BRCA1 DNA repair associated; minus strand). Cytogenetic location: 17q21.31.
Variant type: single nucleotide variant.
Coding change: c.128T>A on transcript NM_007294.4 (MANE Select); coding-DNA position 128, T replaced by A.
Protein change: p.Phe43Tyr; replaces phenylalanine 43 with tyrosine.
Molecular consequence: missense variant. On other transcripts: non-coding transcript variant (1), intron variant (1).
Genome position (GRCh38, 1-based): chr17:43,115,732, A>T on the plus strand (T>A on the coding strand, the complement: BRCA1 is on the minus strand). VCF-style: chr17-43115732-A-T. GRCh37 (hg19) VCF-style: chr17-41267749-A-T.
Other names: c.-61T>A (NM_001407571.1, NM_001407853.1, NM_001407879.1 and 52 more transcripts); c.128T>A, p.Phe43Tyr (NM_001407581.1, NM_001407582.1, NM_001407583.1 and 192 more transcripts); c.-130T>A (NM_001407731.1, NM_001407733.1, NM_001407746.1 and 13 more transcripts); c.-14T>A (NM_001407734.1, NM_001407735.1, NM_001407737.1 and 47 more transcripts); c.-10T>A (NM_001407841.1); c.-177T>A (NM_001407889.1, NM_001407900.1, NM_001408492.1); c.-176T>A (NM_001407960.1, NM_001407962.1, NM_001408510.1 and 1 more transcripts); c.-292T>A (NM_001407965.1); and 2 more; short protein forms F43Y.
Identifiers: ClinVar variation 867829 (VCV000867829.12), dbSNP rs1298544053, ClinGen allele CA10601902.